The following is an entry in ClinVar:

NM_001458.5(FLNC):c.446A>T (p.Glu149Val)

Gene: FLNC (filamin C; plus strand). Cytogenetic location: 7q32.1.
Variant type: single nucleotide variant.
Coding change: c.446A>T on transcript NM_001458.5 (MANE Select); coding-DNA position 446, A replaced by T.
Protein change: p.Glu149Val; replaces glutamic acid 149 with valine.
Molecular consequence: missense variant.
Genome position (GRCh38, 1-based): chr7:128,835,419, A>T. VCF-style: chr7-128835419-A-T. GRCh37 (hg19) VCF-style: chr7-128475473-A-T.
Other names: c.446A>T, p.Glu149Val (NM_001127487.2); short protein forms E149V.
Identifiers: ClinVar variation 959572 (VCV000959572.10), dbSNP rs1808055544, ClinGen allele CA369219177.
Genomic context (GRCh38, chr7:128,835,419, plus strand): 5'-TGATCCTGGGCCTGATCTGGACGCTGATCCTGCACTACTCCATCTCCATGCCCATGTGGG[A>T]GGATGAAGATGATGAGGATGCCCGCAAACAGACGCCCAAGCAGCGGCTGCTTGGCTGGAT-3'
Protein context (NP_001449.3, residues 139-159): LHYSISMPMW[Glu149Val]DEDDEDARKQ

ClinVar aggregate classification (germline): Uncertain significance (1 of 4 stars; one submission).

Conditions:
Hypertrophic cardiomyopathy 26. Also called: Cardiomyopathy, familial hypertrophic, 26. Identifiers: Orphanet 75249, MedGen C4310749, MONDO:0014883, OMIM 617047.
Myofibrillar myopathy 5. Also called: FILAMINOPATHY, AUTOSOMAL DOMINANT; Filaminopathy (type). Identifiers: Orphanet 171445, MedGen C1836050, MONDO:0012289, OMIM 609524.
Distal myopathy with posterior leg and anterior hand involvement. Also called: WILLIAMS DISTAL MYOPATHY. Identifiers: Orphanet 63273, MedGen C3279722, MONDO:0013550, OMIM 614065.

Submission:

Labcorp Genetics (formerly Invitae), Labcorp
Classification: Uncertain significance for Distal myopathy with posterior leg and anterior hand involvement; Myofibrillar myopathy 5; Hypertrophic cardiomyopathy 26. Last evaluated: 2019-08-23. Review status: criteria provided, single submitter. Criteria: Invitae Variant Classification Sherloc (09022015). Collection method: clinical testing. Allele origin: germline.
Comment: In summary, the available evidence is currently insufficient to determine the role of this variant in disease. Therefore, it has been classified as a Variant of Uncertain Significance. Algorithms developed to predict the effect of missense changes on protein structure and function are either unavailable or do not agree on the potential impact of this missense change (SIFT: "Deleterious"; PolyPhen-2: "Benign"; Align-GVGD: "Class C0"). This variant has not been reported in the literature in individuals with FLNC-related conditions. This variant is not present in population databases (ExAC no frequency). This sequence change replaces glutamic acid with valine at codon 149 of the FLNC protein (p.Glu149Val). The glutamic acid residue is moderately conserved and there is a moderate physicochemical difference between glutamic acid and valine.